The following is an entry in ClinVar:

ClinVar aggregate classification (germline): Uncertain significance (1 of 4 stars; one submission).

Conditions:
Infantile spasms. Also called: Infantile spasm. Identifiers: MedGen C3887898, HP:0012469.

Submission:

Labcorp Genetics (formerly Invitae), Labcorp
Classification: Uncertain significance for Infantile spasms. Last evaluated: 2025-04-08. Review status: criteria provided, single submitter. Criteria: Invitae Variant Classification Sherloc (09022015). Collection method: clinical testing. Allele origin: germline.
Comment: This sequence change creates a premature translational stop signal (p.Ile309Thrfs*19) in the PIK3AP1 gene. It is expected to result in an absent or disrupted protein product. However, the current clinical and genetic evidence is not sufficient to establish whether loss-of-function variants in PIK3AP1 cause disease. This variant is not present in population databases (gnomAD no frequency). This variant has not been reported in the literature in individuals affected with PIK3AP1-related conditions. In summary, the available evidence is currently insufficient to determine the role of this variant in disease. Therefore, it has been classified as a Variant of Uncertain Significance.

NM_152309.3(PIK3AP1):c.926del (p.Ile309fs)

Gene: PIK3AP1 (phosphoinositide-3-kinase adaptor protein 1; minus strand). Cytogenetic location: 10q24.1.
Variant type: Deletion.
Coding change: c.926del on transcript NM_152309.3 (MANE Select); coding-DNA position 926, one base deleted (T; older notation c.926delT).
Protein change: p.Ile309fs; shifts the reading frame from isoleucine 309.
Molecular consequence: frameshift variant.
Genome position (GRCh38, 1-based): chr10:96,651,310, A deleted on the plus strand (T on the coding strand, the reverse complement: PIK3AP1 is on the minus strand). VCF-style (leftmost placement, unchanged base first): chr10-96651309-GA-G. GRCh37 (hg19) VCF-style: chr10-98411066-GA-G.
Other names: short protein forms I309fs.
Identifiers: ClinVar variation 4809292 (VCV004809292.1).
Genomic context (GRCh38, chr10:96,651,309, plus strand): 5'-TGTCATCATATCTTCTTCTTCCAGCTGGTTGATTCCAAAGAGGTGCAGTCCGCTTGCAGG[GA>G]TATTGTTCTTCAGGGATTCGGTTAGCAGTTTATCAAGGGTCTCTGTGTTGTAGGGCACAA-3'